The following is an entry in ClinVar:

NM_001267550.2(TTN):c.88224C>T (p.Phe29408=)

Genes: TTN-AS1 (TTN antisense RNA 1; plus strand), TTN (titin; minus strand). Cytogenetic location: 2q31.2.
Variant type: single nucleotide variant.
Coding change: c.88224C>T on transcript NM_001267550.2 (MANE Select); coding-DNA position 88224, C replaced by T.
Protein change: p.Phe29408=; no amino-acid change (phenylalanine 29408 retained).
Molecular consequence: synonymous variant.
Genome position (GRCh38, 1-based): chr2:178,556,930, G>A on the plus strand (C>T on the coding strand, the complement: TTN is on the minus strand). VCF-style: chr2-178556930-G-A. GRCh37 (hg19) VCF-style: chr2-179421657-G-A.
Other names: c.83301C>T, p.Phe27767= (NM_001256850.1); c.61029C>T, p.Phe20343= (NM_003319.4); c.80520C>T, p.Phe26840= (NM_133378.4); c.61404C>T, p.Phe20468= (NM_133432.3); c.61605C>T, p.Phe20535= (NM_133437.4).
Identifiers: ClinVar variation 1145293 (VCV001145293.11), dbSNP rs1701738144, ClinGen allele CA430246940.
Genomic context (GRCh38, chr2:178,556,930, plus strand): 5'-GGGCCCTACAACCTCAGATGGATTGCTAATGGAACCAACAGCATTCCTAGCAAAGACACG[G>A]AATTCATACTGGGAATTCTGAGTCAAGCCAGAGATGATGAATTGAGTTTCAGTAACATTG-3'
Protein context (NP_001254479.2, residues 29398-29418): SGLTQNSQYE[Phe29408=]RVFARNAVGS

ClinVar aggregate classification (germline): Likely benign. Review status: criteria provided, multiple submitters, no conflicts (2 of 4 stars). 3 submissions from 3 submitters: Likely benign (3). Last evaluated 2025-08-31.

Conditions:
Cardiovascular phenotype. Identifiers: MedGen CN230736.
Dilated cardiomyopathy 1G (CMD1G). Identifiers: Orphanet 154, MedGen C1858763, MONDO:0011400, OMIM 604145.
Autosomal recessive limb-girdle muscular dystrophy type 2J (LGMDR10). Also called: Limb-girdle muscular dystrophy, type 2J; MUSCULAR DYSTROPHY, LIMB-GIRDLE, AUTOSOMAL RECESSIVE 10. Identifiers: Orphanet 140922, MedGen C1837342, MONDO:0012127, OMIM 608807.

Allele frequency attached by ClinVar (database versions not stated): gnomAD exomes below 0.00001; TOPMed below 0.00001.
gnomAD v4.1: 2 of 1,613,866 alleles (0.00012%); highest among the groups gnomAD compares: African/African-American, 0.0027%; no homozygotes.

Submissions (3):

Ambry Genetics
Classification: Likely benign for Cardiovascular phenotype. Last evaluated: 2025-08-31. Review status: criteria provided, single submitter. Criteria: Ambry Variant Classification Scheme 2023. Collection method: clinical testing. Allele origin: germline.

Labcorp Genetics (formerly Invitae), Labcorp
Classification: Likely benign for Dilated cardiomyopathy 1G; Autosomal recessive limb-girdle muscular dystrophy type 2J. Last evaluated: 2025-08-18. Review status: criteria provided, single submitter. Criteria: Invitae Variant Classification Sherloc (09022015). Collection method: clinical testing. Allele origin: germline.

Laboratory for Molecular Medicine, Mass General Brigham Personalized Medicine
Classification: Likely benign. Last evaluated: 2018-09-14. Review status: criteria provided, single submitter. Criteria: ACMG Guidelines, 2015. Collection method: clinical testing. Allele origin: germline.
Comment: The p.Phe26840Phe variant in TTN is classified as likely benign because it does not alter an amino acid residue, it is not located within the splice consensus sequence, and splice prediction algorithms do not predict a newly created splice site. ACMG/AMP Criteria applied: BP4, BP7, PM2.